The following is an entry in ClinVar:

NM_004655.4(AXIN2):c.1051C>T (p.His351Tyr)

Gene: AXIN2 (axin 2; minus strand). Cytogenetic location: 17q24.1.
Variant type: single nucleotide variant.
Coding change: c.1051C>T on transcript NM_004655.4 (MANE Select); coding-DNA position 1051, C replaced by T.
Protein change: p.His351Tyr; replaces histidine 351 with tyrosine.
Molecular consequence: missense variant.
Genome position (GRCh38, 1-based): chr17:65,541,463, G>A on the plus strand (C>T on the coding strand, the complement: AXIN2 is on the minus strand). VCF-style: chr17-65541463-G-A. GRCh37 (hg19) VCF-style: chr17-63537581-G-A.
Other names: c.1051C>T, p.His351Tyr (NM_001363813.1); short protein forms H351Y.
Identifiers: ClinVar variation 4867289 (VCV004867289.1).

ClinVar aggregate classification (germline): Uncertain significance (1 of 4 stars; one submission).

Conditions:
Hereditary cancer-predisposing syndrome. Also called: Neoplastic Syndromes, Hereditary; Tumor predisposition; Hereditary Cancer Syndrome; Hereditary neoplastic syndrome. Identifiers: Orphanet 140162, MedGen C0027672, MeSH D009386, MONDO:0015356.

Submission:

Ambry Genetics
Classification: Uncertain significance for Hereditary cancer-predisposing syndrome. Last evaluated: 2026-03-19. Review status: criteria provided, single submitter. Criteria: Ambry Variant Classification Scheme 2023. Collection method: clinical testing. Allele origin: germline.
Comment: The p.H351Y variant (also known as c.1051C>T), located in coding exon 3 of the AXIN2 gene, results from a C to T substitution at nucleotide position 1051. The histidine at codon 351 is replaced by tyrosine, an amino acid with similar properties. This amino acid position is well conserved in available vertebrate species. In addition, the in silico prediction for this alteration is inconclusive. Based on the available evidence, the clinical significance of this variant remains unclear.